The following is an entry in ClinVar:

NM_006231.4(POLE):c.4784G>C (p.Arg1595Thr)

Gene: POLE (DNA polymerase epsilon, catalytic subunit; minus strand). Cytogenetic location: 12q24.33.
Variant type: single nucleotide variant.
Coding change: c.4784G>C on transcript NM_006231.4 (MANE Select); coding-DNA position 4784, G replaced by C.
Protein change: p.Arg1595Thr; replaces arginine 1595 with threonine.
Molecular consequence: missense variant.
Genome position (GRCh38, 1-based): chr12:132,642,674, C>G on the plus strand (G>C on the coding strand, the complement: POLE is on the minus strand). VCF-style: chr12-132642674-C-G. GRCh37 (hg19) VCF-style: chr12-133219260-C-G.
Other names: c.4784G>C (NM_006231.2); short protein forms R1595T.
Identifiers: ClinVar variation 1715628 (VCV001715628.6), dbSNP rs1565937889, ClinGen allele CA387378399.

ClinVar aggregate classification (germline): Uncertain significance. Review status: criteria provided, multiple submitters, no conflicts (2 of 4 stars). 2 submissions from 2 submitters: Uncertain significance (2). Last evaluated 2025-02-08.

Conditions:
Hereditary cancer-predisposing syndrome. Also called: Neoplastic Syndromes, Hereditary; Tumor predisposition; Hereditary Cancer Syndrome; Hereditary neoplastic syndrome. Identifiers: Orphanet 140162, MedGen C0027672, MeSH D009386, MONDO:0015356.

Submissions (2):

Ambry Genetics
Classification: Uncertain significance for Hereditary cancer-predisposing syndrome. Last evaluated: 2025-02-08. Review status: criteria provided, single submitter. Criteria: Ambry Variant Classification Scheme 2023. Collection method: clinical testing. Allele origin: germline.

Labcorp Genetics (formerly Invitae), Labcorp
Classification: Uncertain significance. Last evaluated: 2023-02-13. Review status: criteria provided, single submitter. Criteria: Invitae Variant Classification Sherloc (09022015). Collection method: clinical testing. Allele origin: germline.
Comment: In summary, the available evidence is currently insufficient to determine the role of this variant in disease. Therefore, it has been classified as a Variant of Uncertain Significance. Advanced modeling of protein sequence and biophysical properties (such as structural, functional, and spatial information, amino acid conservation, physicochemical variation, residue mobility, and thermodynamic stability) performed at Invitae indicates that this missense variant is not expected to disrupt POLE protein function. ClinVar contains an entry for this variant (Variation ID: 1715628). This variant has not been reported in the literature in individuals affected with POLE-related conditions. This variant is not present in population databases (gnomAD no frequency). This sequence change replaces arginine, which is basic and polar, with threonine, which is neutral and polar, at codon 1595 of the POLE protein (p.Arg1595Thr).